The following is an entry in ClinVar:

ClinVar aggregate classification (germline): Uncertain significance (1 of 4 stars; one submission).

Conditions:
Microphthalmia, isolated, with coloboma 6 (MCOPCB6). Also called: MICROPHTHALMIA/COLOBOMA 6; Microphthalmia with coloboma 6, digenic; Microphthalmia with coloboma 6. Identifiers: Orphanet 98938, MedGen C3150968, MONDO:0013376, OMIM 613703.
Klippel-Feil syndrome 1, autosomal dominant (KFS1). Also called: CERVICAL VERTEBRAL FUSION, AUTOSOMAL DOMINANT. Identifiers: Orphanet 2345, MedGen C1861689, MONDO:0007306, OMIM 118100.
Isolated microphthalmia 4. Identifiers: Orphanet 2542, MedGen C2751307, MONDO:0013130, OMIM 613094.
Leber congenital amaurosis 17 (LCA17). Identifiers: Orphanet 65, MedGen C3715164, MONDO:0014145, OMIM 615360.

Allele frequency attached by ClinVar (database versions not stated): ExAC 0.00001; gnomAD 0.00001; TOPMed 0.00001; 1000 Genomes Project 0.00020; 1000 Genomes Project 30x 0.00031.
gnomAD v4.1: 4 of 1,612,732 alleles (0.00025%); highest among the groups gnomAD compares: Admixed American, 0.0067%; no homozygotes.

Submission:

Labcorp Genetics (formerly Invitae), Labcorp
Classification: Uncertain significance for Isolated microphthalmia 4; Leber congenital amaurosis 17; Klippel-Feil syndrome 1, autosomal dominant; Microphthalmia, isolated, with coloboma 6. Last evaluated: 2024-12-16. Review status: criteria provided, single submitter. Criteria: Invitae Variant Classification Sherloc (09022015). Collection method: clinical testing. Allele origin: germline.
Comment: This sequence change replaces arginine, which is basic and polar, with glutamine, which is neutral and polar, at codon 70 of the GDF6 protein (p.Arg70Gln). This variant is present in population databases (rs563637313, gnomAD 0.006%). This variant has not been reported in the literature in individuals affected with GDF6-related conditions. ClinVar contains an entry for this variant (Variation ID: 2149929). An algorithm developed to predict the effect of missense changes on protein structure and function (PolyPhen-2) suggests that this variant is likely to be tolerated. In summary, the available evidence is currently insufficient to determine the role of this variant in disease. Therefore, it has been classified as a Variant of Uncertain Significance.

NM_001001557.4(GDF6):c.209G>A (p.Arg70Gln)

Gene: GDF6 (growth differentiation factor 6; minus strand). Cytogenetic location: 8q22.1.
Variant type: single nucleotide variant.
Coding change: c.209G>A on transcript NM_001001557.4 (MANE Select); coding-DNA position 209, G replaced by A.
Protein change: p.Arg70Gln; replaces arginine 70 with glutamine.
Molecular consequence: missense variant.
Genome position (GRCh38, 1-based): chr8:96,160,484, C>T on the plus strand (G>A on the coding strand, the complement: GDF6 is on the minus strand). VCF-style: chr8-96160484-C-T. GRCh37 (hg19) VCF-style: chr8-97172712-C-T.
Other names: short protein forms R70Q.
Identifiers: ClinVar variation 2149929 (VCV002149929.4), dbSNP rs563637313, ClinGen allele CA4815530.